The following is an entry in ClinVar:

NM_002016.2(FLG):c.3867T>G (p.Ser1289=)

Genes: CCDST (cervical cancer associated DHX9 suppressive transcript; plus strand), FLG (filaggrin; minus strand). Cytogenetic location: 1q21.3.
Variant type: single nucleotide variant.
Coding change: c.3867T>G on transcript NM_002016.2 (MANE Select); coding-DNA position 3867, T replaced by G.
Protein change: p.Ser1289=; no amino-acid change (serine 1289 retained).
Molecular consequence: synonymous variant.
Genome position (GRCh38, 1-based): chr1:152,311,019, A>C on the plus strand (T>G on the coding strand, the complement: FLG is on the minus strand). VCF-style: chr1-152311019-A-C. GRCh37 (hg19) VCF-style: chr1-152283495-A-C.
Identifiers: ClinVar variation 3771650 (VCV003771650.13).

ClinVar aggregate classification (germline): Likely benign (1 of 4 stars; one submission).

gnomAD v4.1: 5 of 1,613,822 alleles (0.00031%); highest among the groups gnomAD compares: South Asian, 0.0011%; no homozygotes.

Submission:

CeGaT Center for Human Genetics Tuebingen
Classification: Likely benign. Last evaluated: 2024-12-01. Review status: criteria provided, single submitter. Criteria: CeGaT Center For Human Genetics Tuebingen Variant Classification Criteria Version 2. Collection method: clinical testing. Allele origin: germline. Affected: yes. Observed: 1 variant allele.
Comment: FLG: BP4, BP7